The following is an entry in ClinVar:

ClinVar aggregate classification (germline): Uncertain significance (1 of 4 stars; one submission).

Conditions:
Developmental delay, impaired speech, and behavioral abnormalities, with or without seizures (DEDISB). Identifiers: MedGen C5575272, MONDO:0859263, OMIM 619964.

Submission:

Laboratorio de Genetica e Diagnostico Molecular, Hospital Israelita Albert Einstein
Classification: Uncertain significance for Developmental delay, impaired speech, and behavioral abnormalities, with or without seizures. Last evaluated: 2025-07-24. Review status: criteria provided, single submitter. Criteria: ACMG Guidelines, 2015. Collection method: clinical testing. Allele origin: germline. Affected: yes.
Comment: ACMG classification criteria: PM2 supporting, PP2 supporting, PP3 supporting

NM_006421.5(ARFGEF1):c.572A>C (p.Gln191Pro)

Gene: ARFGEF1 (ARF guanine nucleotide exchange factor 1; minus strand). Cytogenetic location: 8q13.2.
Variant type: single nucleotide variant.
Coding change: c.572A>C on transcript NM_006421.5 (MANE Select); coding-DNA position 572, A replaced by C.
Protein change: p.Gln191Pro; replaces glutamine 191 with proline.
Molecular consequence: missense variant. On other transcripts: 5 prime UTR variant (4), non-coding transcript variant (1).
Genome position (GRCh38, 1-based): chr8:67,296,498, T>G on the plus strand (A>C on the coding strand, the complement: ARFGEF1 is on the minus strand). VCF-style: chr8-67296498-T-G. GRCh37 (hg19) VCF-style: chr8-68208733-T-G.
Other names: c.572A>C, p.Gln191Pro (NM_001413184.1, NM_001413185.1, NM_001413186.1 and 7 more transcripts); c.-29A>C (NM_001413188.1, NM_001413193.1, NM_001413197.1); c.-544A>C (NM_001413196.1); short protein forms Q191P.
Identifiers: ClinVar variation 4846874 (VCV004846874.1).